The following is an entry in ClinVar:

NM_014023.4(WDR37):c.19A>G (p.Ser7Gly)

Gene: WDR37 (WD repeat domain 37; plus strand). Cytogenetic location: 10p15.3.
Variant type: single nucleotide variant.
Coding change: c.19A>G on transcript NM_014023.4 (MANE Select); coding-DNA position 19, A replaced by G.
Protein change: p.Ser7Gly; replaces serine 7 with glycine.
Molecular consequence: missense variant.
Genome position (GRCh38, 1-based): chr10:1,072,174, A>G. VCF-style: chr10-1072174-A-G. GRCh37 (hg19) VCF-style: chr10-1118114-A-G.
Other names: short protein forms S7G.
Identifiers: ClinVar variation 3731074 (VCV003731074.1).
Genomic context (GRCh38, chr10:1,072,174, plus strand): 5'-AGCTTATTGCAGGAGTGACCAGGACACTACCTCCTAGAAGTAATGCCCACAGAAAGCGCA[A>G]GTTGTTCGACTGCTCGCCAAACAAAACAGAAGCGCAAATCCCATAGCCTTTCTATACGAA-3'
Protein context (NP_054742.2, residues 1-17): MPTESA[Ser7Gly]CSTARQTKQK

ClinVar aggregate classification (germline): Uncertain significance (1 of 4 stars; one submission).

Submission:

GeneDx
Classification: Uncertain significance. Last evaluated: 2024-08-15. Review status: criteria provided, single submitter. Criteria: GeneDx Variant Classification Process June 2021. Collection method: clinical testing. Allele origin: germline. Affected: yes.
Comment: Not observed at significant frequency in large population cohorts (gnomAD); In silico analysis indicates that this missense variant does not alter protein structure/function; Has not been previously published as pathogenic or benign to our knowledge